The following is an entry in ClinVar:

NM_001008216.2(GALE):c.484T>C (p.Phe162Leu)

Gene: GALE (UDP-galactose-4-epimerase; minus strand). Cytogenetic location: 1p36.11.
Variant type: single nucleotide variant.
Coding change: c.484T>C on transcript NM_001008216.2 (MANE Select); coding-DNA position 484, T replaced by C.
Protein change: p.Phe162Leu; replaces phenylalanine 162 with leucine.
Molecular consequence: missense variant.
Genome position (GRCh38, 1-based): chr1:23,797,739, A>G on the plus strand (T>C on the coding strand, the complement: GALE is on the minus strand). VCF-style: chr1-23797739-A-G. GRCh37 (hg19) VCF-style: chr1-24124229-A-G.
Other names: c.484T>C, p.Phe162Leu (NM_000403.4, NM_001127621.2); short protein forms F162L.
Identifiers: ClinVar variation 4881785 (VCV004881785.2).
Genomic context (GRCh38, chr1:23,797,739, plus strand): 5'-TCAAGGGGGCCCTCACCTTGTCTGCCTGGCACAGGTCCCGGATCATTTCCTCGATGAAGA[A>G]CTTGGACTTGCCGTAAGGGTTGGTACAACCACCCGTGGGGTGGGCCTCATCAAGGGGCAG-3'
Protein context (NP_001008217.1, residues 152-172): GCTNPYGKSK[Phe162Leu]FIEEMIRDLC

ClinVar aggregate classification (germline): Uncertain significance (1 of 4 stars; one submission).

Submission:

Dasa
Classification: Uncertain significance. Last evaluated: 2026-02-27. Review status: criteria provided, single submitter. Criteria: DASA Assertion Criteria. Collection method: clinical testing. Allele origin: germline.
Comment: NM_001008216.2(GALE):c.484T>C (p.Phe162Leu) is a missense variant that results in the substitution of phenylalanine with leucine. This variant is rare in population databases. The currently available literature and clinical evidence are not sufficient to establish a definitive association between this variant and the reported condition. Therefore, this variant is classified as a variant of uncertain significance.